The following is an entry in ClinVar:

ClinVar aggregate classification (germline): Uncertain significance (1 of 4 stars; one submission).

Submission:

Labcorp Genetics (formerly Invitae), Labcorp
Classification: Uncertain significance. Last evaluated: 2021-12-19. Review status: criteria provided, single submitter. Criteria: Invitae Variant Classification Sherloc (09022015). Collection method: clinical testing. Allele origin: germline.
Comment: In summary, the available evidence is currently insufficient to determine the role of this variant in disease. Therefore, it has been classified as a Variant of Uncertain Significance. Experimental studies and prediction algorithms are not available or were not evaluated, and the functional significance of this variant is currently unknown. This variant has not been reported in the literature in individuals affected with IMPG1-related conditions. This variant results in a copy number gain of the genomic region encompassing exon(s) 1-12 of the IMPG1 gene. This region includes the initiator codon of the gene. This copy number gain extends beyond the assayed region for this gene and therefore may encompass additional genes. As the precise location of this event is unknown, it may be in tandem or it may be located elsewhere in the genome.

NC_000006.11:g.(?_76712615)_(76782205_?)dup

Gene: IMPG1 (interphotoreceptor matrix proteoglycan 1; minus strand). Cytogenetic location: 6q14.1.
Variant type: Duplication.
Identifiers: ClinVar variation 2424202 (VCV002424202.4).